The following is an entry in ClinVar:

NM_001029883.3(PCARE):c.2665dup (p.Leu889fs)

Gene: PCARE (photoreceptor cilium actin regulator; minus strand). Cytogenetic location: 2p23.2.
Variant type: Duplication.
Coding change: c.2665dup on transcript NM_001029883.3 (MANE Select); coding-DNA position 2665, one base duplicated (C; older notation c.2665dupC).
Protein change: p.Leu889fs; shifts the reading frame from leucine 889.
Molecular consequence: frameshift variant.
Genome position (GRCh38, 1-based): chr2:29,071,597, G duplicated on the plus strand (C on the coding strand, the reverse complement: PCARE is on the minus strand); the first of 5 consecutive G bases (chr2:29,071,597-29,071,601); duplicating any one gives the same sequence. VCF-style (leftmost placement, unchanged base first): chr2-29071596-A-AG. GRCh37 (hg19) VCF-style: chr2-29294462-A-AG.
Other names: short protein forms L889fs.
Identifiers: ClinVar variation 865994 (VCV000865994.7), dbSNP rs1558488513, ClinGen allele CA531766662.

ClinVar aggregate classification (germline): Pathogenic. Review status: criteria provided, multiple submitters, no conflicts (2 of 4 stars). 2 submissions from 2 submitters: Pathogenic (2). Last evaluated 2024-03-19.

Conditions:
C2ORF71-related disorders.

Submissions (2):

Labcorp Genetics (formerly Invitae), Labcorp
Classification: Pathogenic. Last evaluated: 2024-03-19. Review status: criteria provided, single submitter. Criteria: Invitae Variant Classification Sherloc (09022015). Collection method: clinical testing. Allele origin: germline.
Comment: This sequence change creates a premature translational stop signal (p.Leu889Profs*218) in the PCARE gene. It is expected to result in an absent or disrupted protein product. Loss-of-function variants in PCARE are known to be pathogenic (PMID: 20398886, 24339724, 26496393). This variant is present in population databases (no rsID available, gnomAD 0.003%). This variant has not been reported in the literature in individuals affected with PCARE-related conditions. ClinVar contains an entry for this variant (Variation ID: 865994). For these reasons, this variant has been classified as Pathogenic.

Blueprint Genetics
Classification: Pathogenic for C2ORF71-related disorders. Last evaluated: 2022-03-17. Review status: criteria provided, single submitter. Criteria: ACMG Guidelines, 2015. Collection method: clinical testing. Allele origin: germline. Affected: yes. Observed: 2 variant alleles.

Literature cited by the submitters: PubMed 20398886 (cited by Labcorp Genetics (formerly Invitae), Labcorp); PubMed 24339724 (cited by Labcorp Genetics (formerly Invitae), Labcorp); PubMed 26496393 (cited by Labcorp Genetics (formerly Invitae), Labcorp).